The following is an entry in ClinVar:

ClinVar aggregate classification (germline): Uncertain significance (1 of 4 stars; one submission).

Allele frequency attached by ClinVar (database versions not stated): gnomAD 0.00001; gnomAD exomes 0.00001 and 0.00002; ExAC 0.00002; ESP Exome Variant Server 0.00008; 1000 Genomes Project 30x 0.00016; 1000 Genomes Project 0.00020.

Submission:

Labcorp Genetics (formerly Invitae), Labcorp
Classification: Uncertain significance. Last evaluated: 2021-09-25. Review status: criteria provided, single submitter. Criteria: Invitae Variant Classification Sherloc (09022015). Collection method: clinical testing. Allele origin: germline.
Comment: Algorithms developed to predict the effect of missense changes on protein structure and function are either unavailable or do not agree on the potential impact of this missense change (SIFT: "Not Available"; PolyPhen-2: "Benign"; Align-GVGD: "Not Available"). This variant has not been reported in the literature in individuals affected with KLHL9-related conditions. This variant is present in population databases (rs145825708, ExAC 0.01%). This sequence change replaces histidine with arginine at codon 575 of the KLHL9 protein (p.His575Arg). The histidine residue is highly conserved and there is a small physicochemical difference between histidine and arginine. In summary, the available evidence is currently insufficient to determine the role of this variant in disease. Therefore, it has been classified as a Variant of Uncertain Significance.

NM_018847.4(KLHL9):c.1724A>G (p.His575Arg)

Gene: KLHL9 (kelch like family member 9; minus strand). Cytogenetic location: 9p21.3.
Variant type: single nucleotide variant.
Coding change: c.1724A>G on transcript NM_018847.4 (MANE Select); coding-DNA position 1724, A replaced by G.
Protein change: p.His575Arg; replaces histidine 575 with arginine.
Molecular consequence: missense variant.
Genome position (GRCh38, 1-based): chr9:21,333,136, T>C on the plus strand (A>G on the coding strand, the complement: KLHL9 is on the minus strand). VCF-style: chr9-21333136-T-C. GRCh37 (hg19) VCF-style: chr9-21333135-T-C.
Other names: short protein forms H575R.
Identifiers: ClinVar variation 1443306 (VCV001443306.6), dbSNP rs145825708, ClinGen allele CA5010475.